The following is an entry in ClinVar:

NM_005560.6(LAMA5):c.3215C>T (p.Pro1072Leu)

Gene: LAMA5 (laminin subunit alpha 5; minus strand). Cytogenetic location: 20q13.33.
Variant type: single nucleotide variant.
Coding change: c.3215C>T on transcript NM_005560.6 (MANE Select); coding-DNA position 3215, C replaced by T.
Protein change: p.Pro1072Leu; replaces proline 1072 with leucine.
Molecular consequence: missense variant.
Genome position (GRCh38, 1-based): chr20:62,333,157, G>A on the plus strand (C>T on the coding strand, the complement: LAMA5 is on the minus strand). VCF-style: chr20-62333157-G-A. GRCh37 (hg19) VCF-style: chr20-60908213-G-A.
Other names: short protein forms P1072L.
Identifiers: ClinVar variation 1715951 (VCV001715951.5), dbSNP rs926973025, ClinGen allele CA409568464.

ClinVar aggregate classification (germline): Uncertain significance (1 of 4 stars; one submission).

gnomAD v4.1: 3 of 1,515,922 alleles (0.0002%); highest among the groups gnomAD compares: Non-Finnish European, 0.00026%; no homozygotes.

Submission:

Labcorp Genetics (formerly Invitae), Labcorp
Classification: Uncertain significance. Last evaluated: 2022-08-09. Review status: criteria provided, single submitter. Criteria: Invitae Variant Classification Sherloc (09022015). Collection method: clinical testing. Allele origin: germline.
Comment: In summary, the available evidence is currently insufficient to determine the role of this variant in disease. Therefore, it has been classified as a Variant of Uncertain Significance. Algorithms developed to predict the effect of missense changes on protein structure and function (SIFT, PolyPhen-2, Align-GVGD) all suggest that this variant is likely to be disruptive. This sequence change replaces proline, which is neutral and non-polar, with leucine, which is neutral and non-polar, at codon 1072 of the LAMA5 protein (p.Pro1072Leu). This variant is not present in population databases (gnomAD no frequency). This variant has not been reported in the literature in individuals affected with LAMA5-related conditions.